The following is an entry in ClinVar:

ClinVar aggregate classification (germline): Uncertain significance. Review status: criteria provided, multiple submitters, no conflicts (2 of 4 stars). 2 submissions from 2 submitters: Uncertain significance (2). Last evaluated 2025-12-20.

Allele frequency attached by ClinVar (database versions not stated): TOPMed 0.00001.

Submissions (2):

Labcorp Genetics (formerly Invitae), Labcorp
Classification: Uncertain significance. Last evaluated: 2025-12-20. Review status: criteria provided, single submitter. Criteria: Invitae Variant Classification Sherloc (09022015). Collection method: clinical testing. Allele origin: germline.
Comment: This sequence change replaces leucine, which is neutral and non-polar, with arginine, which is basic and polar, at codon 340 of the GALNT12 protein (p.Leu340Arg). This variant is not present in population databases (gnomAD no frequency). This variant has not been reported in the literature in individuals affected with GALNT12-related conditions. ClinVar contains an entry for this variant (Variation ID: 1002074). Invitae Evidence Modeling of protein sequence and biophysical properties (such as structural, functional, and spatial information, amino acid conservation, physicochemical variation, residue mobility, and thermodynamic stability) indicates that this missense variant is expected to disrupt GALNT12 protein function with a positive predictive value of 80%. In summary, the available evidence is currently insufficient to determine the role of this variant in disease. Therefore, it has been classified as a Variant of Uncertain Significance.

Ambry Genetics
Classification: Uncertain significance. Last evaluated: 2024-01-17. Review status: criteria provided, single submitter. Criteria: Ambry Variant Classification Scheme 2023. Collection method: clinical testing. Allele origin: germline.
Comment: The p.L340R variant (also known as c.1019T>G), located in coding exon 5 of the GALNT12 gene, results from a T to G substitution at nucleotide position 1019. The leucine at codon 340 is replaced by arginine, an amino acid with dissimilar properties. This amino acid position is conserved. In addition, this alteration is predicted to be deleterious by in silico analysis. Since supporting evidence is limited at this time, the clinical significance of this alteration remains unclear.

NM_024642.5(GALNT12):c.1019T>G (p.Leu340Arg)

Gene: GALNT12 (polypeptide N-acetylgalactosaminyltransferase 12; plus strand). Cytogenetic location: 9q22.33.
Variant type: single nucleotide variant.
Coding change: c.1019T>G on transcript NM_024642.5 (MANE Select); coding-DNA position 1019, T replaced by G.
Protein change: p.Leu340Arg; replaces leucine 340 with arginine.
Molecular consequence: missense variant.
Genome position (GRCh38, 1-based): chr9:98,835,350, T>G. VCF-style: chr9-98835350-T-G. GRCh37 (hg19) VCF-style: chr9-101597632-T-G.
Other names: short protein forms L340R.
Identifiers: ClinVar variation 1002074 (VCV001002074.11), dbSNP rs1477940403, ClinGen allele CA374219538.